The following is an entry in ClinVar:

NM_005618.4(DLL1):c.1428G>A (p.Arg476=)

Gene: DLL1 (delta like canonical Notch ligand 1; minus strand). Cytogenetic location: 6q27.
Variant type: single nucleotide variant.
Coding change: c.1428G>A on transcript NM_005618.4 (MANE Select); coding-DNA position 1428, G replaced by A.
Protein change: p.Arg476=; no amino-acid change (arginine 476 retained).
Molecular consequence: synonymous variant.
Genome position (GRCh38, 1-based): chr6:170,283,851, C>T on the plus strand (G>A on the coding strand, the complement: DLL1 is on the minus strand). VCF-style: chr6-170283851-C-T. GRCh37 (hg19) VCF-style: chr6-170592939-C-T.
Identifiers: ClinVar variation 2177952 (VCV002177952.31), dbSNP rs375023006, ClinGen allele CA4106826.

ClinVar aggregate classification (germline): Likely benign. Review status: criteria provided, multiple submitters, no conflicts (2 of 4 stars). 2 submissions from 2 submitters: Likely benign (2). Last evaluated 2026-08-01.

Allele frequency attached by ClinVar (database versions not stated): TOPMed 0.00023; gnomAD 0.00025; gnomAD exomes 0.00042; ExAC 0.00016; ESP Exome Variant Server 0.00023.
gnomAD v4.1: 629 of 1,604,960 alleles (0.039%); highest among the groups gnomAD compares: Non-Finnish European, 0.051%; no homozygotes.

Submissions (2):

CeGaT Center for Human Genetics Tuebingen
Classification: Likely benign. Last evaluated: 2026-08-01. Review status: criteria provided, single submitter. Criteria: CeGaT Center For Human Genetics Tuebingen Variant Classification Criteria Version 2. Collection method: clinical testing. Allele origin: germline. Affected: yes. Observed: 2 variant alleles.
Comment: DLL1: BP4, BP7

Labcorp Genetics (formerly Invitae), Labcorp
Classification: Likely benign. Last evaluated: 2024-12-15. Review status: criteria provided, single submitter. Criteria: Invitae Variant Classification Sherloc (09022015). Collection method: clinical testing. Allele origin: germline.